The following is an entry in ClinVar:

NM_003002.4(SDHD):c.426C>G (p.Phe142Leu)

Gene: SDHD (succinate dehydrogenase complex subunit D; plus strand). Cytogenetic location: 11q23.1.
Variant type: single nucleotide variant.
Coding change: c.426C>G on transcript NM_003002.4 (MANE Select); coding-DNA position 426, C replaced by G.
Protein change: p.Phe142Leu; replaces phenylalanine 142 with leucine.
Molecular consequence: missense variant. On other transcripts: 3 prime UTR variant (2), non-coding transcript variant (1).
Genome position (GRCh38, 1-based): chr11:112,094,916, C>G. VCF-style: chr11-112094916-C-G. GRCh37 (hg19) VCF-style: chr11-111965640-C-G.
Other names: c.*23C>G (NM_001276503.2); c.309C>G, p.Phe103Leu (NM_001276504.2); c.*124C>G (NM_001276506.2); short protein forms F103L, F142L.
Identifiers: ClinVar variation 1497359 (VCV001497359.12), dbSNP rs2135277712, ClinGen allele CA382619357.
Genomic context (GRCh38, chr11:112,094,916, plus strand): 5'-AGCTGCCAAGGCAGGGCTTTTGGCACTTTCAGCTTTAACCTTTGCTGGGCTTTGCTATTT[C>G]AACTATCACGATGTGGGCATCTGCAAAGCTGTTGCCATGCTGTGGAAGCTCTGACCTTTT-3'
Protein context (NP_002993.1, residues 132-152): SALTFAGLCY[Phe142Leu]NYHDVGICKA

ClinVar aggregate classification (germline): Uncertain significance. Review status: criteria provided, multiple submitters, no conflicts (2 of 4 stars). 3 submissions from 3 submitters: Uncertain significance (3). Last evaluated 2026-06-18.

Conditions:
Cowden syndrome 3 (CWS3). Identifiers: Orphanet 201, MedGen CN166604, MONDO:0014045.
Carney-Stratakis syndrome. Also called: PARAGANGLIOMA AND GASTROINTESTINAL STROMAL TUMOR. Identifiers: Orphanet 97286, MedGen C1847319, MONDO:0011740, OMIM 606864.
Pheochromocytoma. Also called: MAX-Related Hereditary Paraganglioma-Pheochromocytoma Syndrome. Identifiers: Orphanet 29072, MedGen C0031511, MONDO:0008233, OMIM 171300, HP:0002666.
Paragangliomas with sensorineural hearing loss. Identifiers: MedGen C1868633.
Hereditary cancer-predisposing syndrome. Also called: Hereditary Cancer Syndrome; Tumor predisposition; Neoplastic Syndromes, Hereditary; Hereditary neoplastic syndrome. Identifiers: Orphanet 140162, MedGen C0027672, MeSH D009386, MONDO:0015356.
Hereditary pheochromocytoma and paraganglioma. Also called: Hereditary paragangliomas and pheochromocytomas; Hereditary pheochromocytoma-paraganglioma; Hereditary Paraganglioma-Pheochromocytoma Syndromes. Identifiers: Orphanet 29072, MedGen C4274332, MONDO:0017366.

Submissions (3):

Ambry Genetics
Classification: Uncertain significance for Hereditary cancer-predisposing syndrome. Last evaluated: 2026-06-18. Review status: criteria provided, single submitter. Criteria: Ambry Variant Classification Scheme 2023. Collection method: clinical testing. Allele origin: germline.
Comment: The p.F142L variant (also known as c.426C>G), located in coding exon 4 of the SDHD gene, results from a C to G substitution at nucleotide position 426. The phenylalanine at codon 142 is replaced by leucine, an amino acid with highly similar properties. This amino acid position is highly conserved in available vertebrate species. In addition, this alteration is predicted to be deleterious by in silico analysis. Based on the available evidence, the clinical significance of this variant remains unclear.

All of Us Research Program, National Institutes of Health
Classification: Uncertain significance for Hereditary pheochromocytoma and paraganglioma. Last evaluated: 2023-06-26. Review status: criteria provided, single submitter. Criteria: ACMG Guidelines, 2015. Collection method: clinical testing. Allele origin: germline. Inheritance: Autosomal dominant inheritance. Observed: 1 variant allele, 1 heterozygote.
Comment: This missense variant replaces phenylalanine with leucine at codon 142 of the SDHD protein. Computational prediction suggests that this variant may have deleterious impact on protein structure and function (internally defined REVEL score threshold >= 0.7, PMID: 27666373). To our knowledge, functional studies have not been reported for this variant. This variant has not been reported in individuals affected with SDHD-related disorders in the literature. This variant has not been identified in the general population by the Genome Aggregation Database (gnomAD). The available evidence is insufficient to determine the role of this variant in disease conclusively. Therefore, this variant is classified as a Variant of Uncertain Significance.

This study involves interpretation of variants in research participants for the purpose of population health screening. Participant phenotype was not available at the time of variant classification. Additional details can be found in publication PMID: 35346344, PMCID: PMC8962531

Labcorp Genetics (formerly Invitae), Labcorp
Classification: Uncertain significance for Carney-Stratakis syndrome; Paragangliomas with sensorineural hearing loss; Pheochromocytoma; Cowden syndrome 3. Last evaluated: 2021-06-08. Review status: criteria provided, single submitter. Criteria: Invitae Variant Classification Sherloc (09022015). Collection method: clinical testing. Allele origin: germline.
Comment: Advanced modeling of protein sequence and biophysical properties (such as structural, functional, and spatial information, amino acid conservation, physicochemical variation, residue mobility, and thermodynamic stability) performed at Invitae indicates that this missense variant is expected to disrupt SDHD protein function. In summary, the available evidence is currently insufficient to determine the role of this variant in disease. Therefore, it has been classified as a Variant of Uncertain Significance. This variant has not been reported in the literature in individuals with SDHD-related conditions. This variant is not present in population databases (ExAC no frequency). This sequence change replaces phenylalanine with leucine at codon 142 of the SDHD protein (p.Phe142Leu). The phenylalanine residue is highly conserved and there is a small physicochemical difference between phenylalanine and leucine.